The following is an entry in ClinVar:

ClinVar aggregate classification (germline): Conflicting classifications of pathogenicity. Review status: criteria provided, conflicting classifications (1 of 4 stars). 18 submissions from 16 submitters: Uncertain significance (2); Benign (4); Likely benign (10). 2 of the submissions do not count toward it. Last evaluated 2026-06-15.

Conditions:
Osteogenesis imperfecta type I (OI1). Also called: Classic Non-deforming Osteogenesis Imperfecta with Blue Sclerae; OI, TYPE I; OSTEOGENESIS IMPERFECTA TARDA; OSTEOGENESIS IMPERFECTA WITH BLUE SCLERAE; Osteogenesis imperfecta type 1; Lobstein disease. Identifiers: Orphanet 216796, Orphanet 666, MedGen C0023931, MONDO:0008146, OMIM 166200. Disease mechanism: loss of function.
Ehlers-Danlos syndrome, classic type, 1 (EDSCL1). Also called: EDS I; Ehlers-Danlos Syndrome, Classic Type, COL5A1-Related; Ehlers-Danlos syndrome, type 1; EHLERS-DANLOS SYNDROME, GRAVIS TYPE; EHLERS-DANLOS SYNDROME, SEVERE CLASSIC TYPE. Identifiers: MedGen C0268335, MONDO:0019567, OMIM 130000.
Cardiovascular phenotype. Identifiers: MedGen CN230736.
COL1A2-related disorder. Also called: COL1A2-Related Disorders; COL1A2-related condition.
Connective tissue disorder. Also called: Connective tissue disease. Identifiers: MedGen C0009782, MONDO:0003900.
Ehlers-Danlos syndrome (EDS). Identifiers: Orphanet 98249, MedGen C0013720, MONDO:0020066.
Ehlers-Danlos syndrome, arthrochalasia type, 2. Also called: EHLERS-DANLOS SYNDROME, TYPE VIIB, AUTOSOMAL DOMINANT. Identifiers: MedGen CN293783, MONDO:0040501, OMIM 617821.
Osteogenesis imperfecta (OI). Identifiers: Orphanet 666, MedGen C0029434, MeSH D010013, MONDO:0019019.

Allele frequency attached by ClinVar (database versions not stated): 1000 Genomes Project 30x 0.00016; 1000 Genomes Project 0.00020; ESP Exome Variant Server 0.00023; TOPMed 0.00050; gnomAD exomes 0.00060; ExAC 0.00082.

Submissions (18):

Women's Health and Genetics/Laboratory Corporation of America, LabCorp
Classification: Benign. Last evaluated: 2026-06-15. Review status: criteria provided, single submitter. Criteria: LabCorp Variant Classification Summary - May 2015. Collection method: clinical testing. Allele origin: germline.
Comment: Variant summary: COL1A2 c.304C>T (p.Pro102Ser) results in a non-conservative amino acid change in the encoded protein sequence. Algorithms developed to predict the effect of missense changes on protein structure and function all suggest that this variant is likely to be disruptive. The variant allele was found at a frequency of 0.0006 in 251452 control chromosomes, predominantly at a frequency of 0.001 within the Non-Finnish European subpopulation in the gnomAD database, including 1 homozygote. The observed variant frequency within Non-Finnish European control individuals in the gnomAD database exceeds the estimated maximal expected allele frequency for disease-causing variants in COL1A2, and the presence of homozygous control(s) is not consistent with the onset/severity of COL1A2-related conditions. c.304C>T has been reported in the literature in individuals affected with clinical features of Osteogenesis Imperfecta (e.g. Lindahl_2015, Caudevilla_2020) without strong evidence for causality. These report(s) do not provide unequivocal conclusions about association of the variant with disease. To our knowledge, no experimental evidence demonstrating an impact on protein function has been reported. The following publications have been ascertained in the context of this evaluation (PMID: 25944380, 32169308, 25944380). ClinVar contains an entry for this variant (Variation ID: 379658). Based on the evidence outlined above, the variant was classified as benign.

CeGaT Center for Human Genetics Tuebingen
Classification: Uncertain significance. Last evaluated: 2026-06-01. Review status: criteria provided, single submitter. Criteria: CeGaT Center For Human Genetics Tuebingen Variant Classification Criteria Version 2. Collection method: clinical testing. Allele origin: germline. Affected: yes. Observed: 2 variant alleles.

Labcorp Genetics (formerly Invitae), Labcorp
Classification: Benign for Osteogenesis imperfecta type I; Ehlers-Danlos syndrome, classic type, 1. Last evaluated: 2026-02-02. Review status: criteria provided, single submitter. Criteria: Invitae Variant Classification Sherloc (09022015). Collection method: clinical testing. Allele origin: germline.

PreventionGenetics, part of Exact Sciences
Classification: Likely benign for COL1A2-related condition. Last evaluated: 2025-08-06. Review status: criteria provided, single submitter. Criteria: ACMG Guidelines, 2015. Collection method: clinical testing. Allele origin: germline.
Comment: This variant is classified as likely benign based on ACMG/AMP sequence variant interpretation guidelines (Richards et al. 2015 PMID: 25741868, with internal and published modifications).

ARUP Laboratories, Molecular Genetics and Genomics, ARUP Laboratories
Classification: Likely benign. Last evaluated: 2025-05-20. Review status: criteria provided, single submitter. Criteria: ARUP Molecular Germline Variant Investigation Process 2024. Collection method: clinical testing. Allele origin: germline.

Mayo Clinic Laboratories, Mayo Clinic
Classification: Likely benign. Last evaluated: 2025-03-26. Review status: criteria provided, single submitter. Criteria: ACMG Guidelines, 2015. Collection method: clinical testing. Allele origin: germline. Observed: 8 variant alleles.
Comment: BS1

GeneDx
Classification: Likely benign. Last evaluated: 2024-09-17. Review status: criteria provided, single submitter. Criteria: GeneDx Variant Classification Process June 2021. Collection method: clinical testing. Allele origin: germline. Affected: yes.
Comment: See Variant Classification Assertion Criteria.

Blueprint Genetics
Classification: Likely benign. Last evaluated: 2024-09-05. Review status: criteria provided, single submitter. Criteria: ACMG Guidelines, 2015. Collection method: clinical testing. Allele origin: germline.

Genome Diagnostics Laboratory, The Hospital for Sick Children
Classification: Likely benign for Osteogenesis imperfecta. Last evaluated: 2021-04-07. Review status: criteria provided, single submitter. Criteria: ACMG Guidelines, 2015. Collection method: clinical testing. Allele origin: germline.

Genome Diagnostics Laboratory, The Hospital for Sick Children
Classification: Likely benign for Ehlers-Danlos syndrome. Last evaluated: 2021-02-01. Review status: criteria provided, single submitter. Criteria: ACMG Guidelines, 2015. Collection method: clinical testing. Allele origin: germline.

Ambry Genetics
Classification: Likely benign for Cardiovascular phenotype. Last evaluated: 2019-05-17. Review status: criteria provided, single submitter. Criteria: Ambry Variant Classification Scheme 2023. Collection method: clinical testing. Allele origin: germline.

Athena Diagnostics
Classification: Benign. Last evaluated: 2017-11-16. Review status: criteria provided, single submitter. Criteria: Athena Diagnostics Criteria. Collection method: clinical testing. Allele origin: germline.

Illumina Laboratory Services, Illumina
Classification: Benign for Osteogenesis imperfecta. Last evaluated: 2017-04-27. Review status: criteria provided, single submitter. Criteria: ICSL Variant Classification Criteria 13 December 2019. Collection method: clinical testing. Allele origin: germline.
Comment: This variant was observed as part of a predisposition screen in an ostensibly healthy population. A literature search was performed for the gene, cDNA change, and amino acid change (where applicable). No publications were found based on this search. Allele frequency data from public databases was too high to be consistent with this variant causing disease. Therefore, this variant is classified as benign.

Illumina Laboratory Services, Illumina
Classification: Likely benign for Ehlers-Danlos syndrome, arthrochalasia type, 2. Last evaluated: 2017-04-27. Review status: criteria provided, single submitter. Criteria: ICSL Variant Classification Criteria 13 December 2019. Collection method: clinical testing. Allele origin: germline.
Comment: This variant was observed as part of a predisposition screen in an ostensibly healthy population. A literature search was performed for the gene, cDNA change, and amino acid change (where applicable). No publications were found based on this search. Allele frequency data from public databases allowed determination this variant is unlikely to cause disease. Therefore, this variant is classified as likely benign.

Eurofins Ntd Llc (ga)
Classification: Uncertain significance. Last evaluated: 2016-12-19. Review status: criteria provided, single submitter. Criteria: EGL Classification Definitions 2015. Collection method: clinical testing. Allele origin: germline. Observed: 1 variant allele, 1 heterozygote.

Center for Human Genetics, Inc
Classification: Likely benign for Connective tissue disorder. Last evaluated: 2016-11-01. Review status: criteria provided, single submitter. Criteria: ACMG Guidelines, 2015. Collection method: clinical testing. Allele origin: germline. Affected: yes.

Clinical Genetics DNA and cytogenetics Diagnostics Lab, Erasmus MC, Erasmus Medical Center
Classification: Likely benign. Review status: no assertion criteria provided. Collection method: clinical testing. Allele origin: germline. Affected: yes. Study: VKGL Data-share Consensus. Not counted in ClinVar's aggregate classification.

Genome Diagnostics Laboratory, Amsterdam University Medical Center
Classification: Likely benign. Review status: no assertion criteria provided. Collection method: clinical testing. Allele origin: germline. Affected: yes. Study: VKGL Data-share Consensus. Not counted in ClinVar's aggregate classification.

Literature cited by the submitters: PubMed 25944380 (cited by 3 submitters); PubMed 32169308 (cited by Women's Health and Genetics/Laboratory Corporation of America, LabCorp).

NM_000089.4(COL1A2):c.304C>T (p.Pro102Ser)

Gene: COL1A2 (collagen type I alpha 2 chain; plus strand). Cytogenetic location: 7q21.3.
Variant type: single nucleotide variant.
Coding change: c.304C>T on transcript NM_000089.4 (MANE Select); coding-DNA position 304, C replaced by T.
Protein change: p.Pro102Ser; replaces proline 102 with serine.
Molecular consequence: missense variant.
Genome position (GRCh38, 1-based): chr7:94,404,580, C>T. VCF-style: chr7-94404580-C-T. GRCh37 (hg19) VCF-style: chr7-94033892-C-T.
Other names: p.Pro102Ser; short protein forms P102S.
Identifiers: ClinVar variation 379658 (VCV000379658.60), dbSNP rs189557655, ClinGen allele CA4346618.